The following is an entry in ClinVar:

NM_000719.7(CACNA1C):c.2664-11C>G

Gene: CACNA1C (calcium voltage-gated channel subunit alpha1 C; plus strand). Cytogenetic location: 12p13.33.
Variant type: single nucleotide variant.
Coding change: c.2664-11C>G on transcript NM_000719.7 (MANE Select); 11 bases into the intron before coding-DNA position 2664, C replaced by G.
Molecular consequence: intron variant.
Genome position (GRCh38, 1-based): chr12:2,595,863, C>G. VCF-style: chr12-2595863-C-G. GRCh37 (hg19) VCF-style: chr12-2705029-C-G.
Other names: c.2664-11C>G (NM_001167624.3, NM_001167623.2, NM_001167625.2 and 18 more transcripts); c.2655-11C>G (NM_001129844.2).
Identifiers: ClinVar variation 511327 (VCV000511327.9), dbSNP rs767514995, ClinGen allele CA6389032.

ClinVar aggregate classification (germline): Likely benign. Review status: criteria provided, multiple submitters, no conflicts (2 of 4 stars). 2 submissions from 2 submitters: Likely benign (2). Last evaluated 2026-02-03.

Conditions:
Long QT syndrome (LQTS). Identifiers: MedGen C0023976, MeSH D008133, MONDO:0002442. Disease mechanism: loss of function. Inheritance: Various modes of inheritance.

Allele frequency attached by ClinVar (database versions not stated): gnomAD 0.00001; ExAC 0.00002; TOPMed 0.00003; gnomAD exomes 0.00004.
gnomAD v4.1: 21 of 1,612,494 alleles (0.0013%); highest among the groups gnomAD compares: East Asian, 0.047%; no homozygotes.

Submissions (2):

Labcorp Genetics (formerly Invitae), Labcorp
Classification: Likely benign for Long QT syndrome. Last evaluated: 2026-02-03. Review status: criteria provided, single submitter. Criteria: Invitae Variant Classification Sherloc (09022015). Collection method: clinical testing. Allele origin: germline.

GeneDx
Classification: Likely benign. Last evaluated: 2017-08-09. Review status: criteria provided, single submitter. Criteria: GeneDx Variant Classification (06012015). Collection method: clinical testing. Allele origin: germline. Affected: yes.
Comment: This variant is considered likely benign or benign based on one or more of the following criteria: it is a conservative change, it occurs at a poorly conserved position in the protein, it is predicted to be benign by multiple in silico algorithms, and/or has population frequency not consistent with disease.